The following is an entry in ClinVar:

ClinVar aggregate classification (germline): Uncertain significance. Review status: criteria provided, multiple submitters, no conflicts (2 of 4 stars). 3 submissions from 3 submitters: Uncertain significance (3). Last evaluated 2026-08-18.

Conditions:
IFT172-related disorder. Also called: IFT172-related disorders; IFT172-related condition.

Allele frequency attached by ClinVar (database versions not stated): TOPMed 0.00002.
gnomAD v4.1: 3 of 1,612,662 alleles (0.00019%); highest among the groups gnomAD compares: Admixed American, 0.005%; no homozygotes.

Submissions (3):

PreventionGenetics, part of Exact Sciences
Classification: Uncertain significance for IFT172-related condition. Last evaluated: 2026-08-18. Review status: criteria provided, single submitter. Criteria: ACMG Guidelines, 2015. Collection method: clinical testing. Allele origin: germline.
Comment: The IFT172 c.4964A>G variant is predicted to result in the amino acid substitution p.Asp1655Gly. To our knowledge, this variant has not been reported in the literature. This variant is reported in 0.0029% of alleles in individuals of Latino descent in gnomAD. A different nucleotide substitution affecting the same amino acid (p.Asp1655Val) has been reported in an individual with autosomal recessive short-rib thoracic dysplasia (Supplementary Table 2, Alfares et al. 2017. PubMed ID: 28454995). At this time, the clinical significance of the c.4964A>G (p.Asp1655Gly) variant is uncertain due to the absence of conclusive functional and genetic evidence.

Blueprint Genetics
Classification: Uncertain significance. Last evaluated: 2024-03-05. Review status: criteria provided, single submitter. Criteria: ACMG Guidelines, 2015. Collection method: clinical testing. Allele origin: germline.

GeneDx
Classification: Uncertain significance. Last evaluated: 2023-06-28. Review status: criteria provided, single submitter. Criteria: GeneDx Variant Classification Process June 2021. Collection method: clinical testing. Allele origin: germline. Affected: yes.
Comment: Not observed at significant frequency in large population cohorts (gnomAD); In silico analysis supports that this missense variant has a deleterious effect on protein structure/function; Has not been previously published as pathogenic or benign to our knowledge

NM_015662.3(IFT172):c.4964A>G (p.Asp1655Gly)

Genes: IFT172 (intraflagellar transport 172; minus strand), KRTCAP3 (keratinocyte associated protein 3; plus strand). Cytogenetic location: 2p23.3.
Variant type: single nucleotide variant.
Coding change: c.4964A>G on transcript NM_015662.3 (MANE Select); coding-DNA position 4964, A replaced by G.
Protein change: p.Asp1655Gly; replaces aspartic acid 1655 with glycine.
Molecular consequence: missense variant. On other transcripts: intron variant (1).
Genome position (GRCh38, 1-based): chr2:27,445,400, T>C on the plus strand (A>G on the coding strand, the complement: IFT172 is on the minus strand). VCF-style: chr2-27445400-T-C. GRCh37 (hg19) VCF-style: chr2-27668267-T-C.
Other names: c.4898A>G, p.Asp1633Gly (NM_001410739.1); c.*6-901T>C (NM_001168364.2); short protein forms D1633G, D1655G.
Identifiers: ClinVar variation 2634421 (VCV002634421.6), dbSNP rs1320001121, ClinGen allele CA346413935.
Genomic context (GRCh38, chr2:27,445,400, plus strand): 5'-ACTAGGGAGGCCTCGTAGGCGCCACGCTCATCCCGAGGCAGAACCTGCTCCAGCCGCTGG[T>C]CCATGGAGACTGTAAGCACCCAGTCTCGAACCTCTTCTCTCTCAGCCTCCTGGAAAGGAC-3'
Protein context (NP_056477.1, residues 1645-1665): VRDWVLTVSM[Asp1655Gly]QRLEQVLPRD